The following is an entry in ClinVar:

ClinVar aggregate classification (germline): Uncertain significance. Review status: criteria provided, multiple submitters, no conflicts (2 of 4 stars). 2 submissions from 2 submitters: Uncertain significance (2). Last evaluated 2026-01-01.

Conditions:
Intellectual developmental disorder, X-linked 99. Also called: Intellectual disability, X-linked 99. Identifiers: Orphanet 777, MedGen C3806746, MONDO:0010487, OMIM 300919.

Allele frequency attached by ClinVar (database versions not stated): TOPMed below 0.00001.

Submissions (2):

Labcorp Genetics (formerly Invitae), Labcorp
Classification: Uncertain significance. Last evaluated: 2026-01-01. Review status: criteria provided, single submitter. Criteria: Invitae Variant Classification Sherloc (09022015). Collection method: clinical testing. Allele origin: germline.
Comment: This sequence change replaces threonine, which is neutral and polar, with alanine, which is neutral and non-polar, at codon 129 of the USP9X protein (p.Thr129Ala). This variant is not present in population databases (gnomAD no frequency). This variant has not been reported in the literature in individuals affected with USP9X-related conditions. ClinVar contains an entry for this variant (Variation ID: 2832162). An algorithm developed to predict the effect of missense changes on protein structure and function (PolyPhen-2) suggests that this variant is likely to be tolerated. In summary, the available evidence is currently insufficient to determine the role of this variant in disease. Therefore, it has been classified as a Variant of Uncertain Significance.

Neuberg Centre For Genomic Medicine, NCGM
Classification: Uncertain significance for Intellectual developmental disorder, X-linked 99. Review status: criteria provided, single submitter. Criteria: ACMG Guidelines, 2015. Collection method: clinical testing. Allele origin: germline. Inheritance: X-linked recessive inheritance. Affected: yes.
Comment: The observed missense c.385A>G(p.Thr129Ala) variant in USP9X gene has not been reported previously as a pathogenic variant nor as a benign variant, to our knowledge. This variant is absent in gnomAD Exomes. The amino acid Thr at position 129 is changed to a Ala changing protein sequence and it might alter its composition and physico-chemical properties. The amino acid change p.Thr129Ala in USP9X is predicted as conserved by GERP++ and PhyloP across 100 vertebrates. Computational evidence (Polyphen - Benign, SIFT - Tolerated, and MutationTaster - Disease causing) predicts conflicting evidence on protein structure and function for this variant. For these reasons, this variant has been classified as Uncertain Significance.

NM_001039591.3(USP9X):c.385A>G (p.Thr129Ala)

Gene: USP9X (ubiquitin specific peptidase 9 X-linked; plus strand). Cytogenetic location: Xp11.4.
Variant type: single nucleotide variant.
Coding change: c.385A>G on transcript NM_001039591.3 (MANE Select); coding-DNA position 385, A replaced by G.
Protein change: p.Thr129Ala; replaces threonine 129 with alanine.
Molecular consequence: missense variant.
Genome position (GRCh38, 1-based): chrX:41,134,787, A>G. VCF-style: chrX-41134787-A-G. GRCh37 (hg19) VCF-style: chrX-40994040-A-G.
Other names: c.385A>G, p.Thr129Ala (NM_001039590.3, NM_001410748.1, NM_001410749.1); short protein forms T129A.
Identifiers: ClinVar variation 2832162 (VCV002832162.4), dbSNP rs1196698681, ClinGen allele CA412761907.
Genomic context (GRCh38, chrX:41,134,787, plus strand): 5'-CTTGATGTTAAAAGTGAAGCATGTCAGCGATTTTTCCGTGATGGGCTAACAATATCATTC[A>G]CTAAAATTCTTACAGATGAAGCAGTGAGTGGCTGGAAGTTTGAAATTCATGTGAGTCTTG-3'
Protein context (NP_001034680.2, residues 119-139): FFRDGLTISF[Thr129Ala]KILTDEAVSG